The following is an entry in ClinVar:

ClinVar aggregate classification (germline): Likely pathogenic. Review status: criteria provided, multiple submitters, no conflicts (2 of 4 stars). 5 submissions from 5 submitters: Likely pathogenic (2). 3 of the submissions do not count toward it. Last evaluated 2026-02-01.

Conditions:
Azoospermia. Identifiers: MedGen C0004509, MeSH D053713, MONDO:0100459, HP:0000027, MONDO:0004983.
Spermatogenic failure 70. Identifiers: MedGen C5676962, MONDO:0030733, OMIM 619828.
Oligosynaptic infertility (SPGF1). Also called: SPERMATOGENIC FAILURE 1; OLIGOCHIASMATIC INFERTILITY. Identifiers: MedGen C0403810, MONDO:0009776, OMIM 258150.

Allele frequency attached by ClinVar (database versions not stated): ExAC 0.00004; gnomAD 0.00005 and 0.00006; TOPMed 0.00005; gnomAD exomes 0.00006 and 0.00007; 1000 Genomes Project 0.00020; 1000 Genomes Project 30x 0.00031.
gnomAD v4.1: 115 of 1,614,114 alleles (0.0071%); highest among the groups gnomAD compares: Middle Eastern, 0.41%; 5 homozygotes.

Submissions (5):

CeGaT Center for Human Genetics Tuebingen
Classification: Likely pathogenic. Last evaluated: 2026-02-01. Review status: criteria provided, single submitter. Criteria: CeGaT Center For Human Genetics Tuebingen Variant Classification Criteria Version 2. Collection method: clinical testing. Allele origin: germline. Affected: yes. Observed: 1 variant allele.
Comment: PDHA2: PM2, PM3, PP1:Moderate, PP4

First Genomix Gene Laboratory, Genetic Diagnostics Department
Classification: Likely pathogenic for Spermatogenic failure 70. Last evaluated: 2025-04-30. Review status: criteria provided, single submitter. Criteria: ACMG Guidelines, 2015. Collection method: clinical testing. Allele origin: germline. Inheritance: Autosomal recessive inheritance. Affected: no. Observed: 1 variant allele.

OMIM
Classification: Pathogenic for SPERMATOGENIC FAILURE 70. Last evaluated: 2022-04-06. Review status: no assertion criteria provided. Collection method: literature only. Allele origin: germline. Not counted in ClinVar's aggregate classification.

Genetics of Infertility and Preimplantation Genetic Diagnosis, Centre Hospitalier Universitaire Grenoble Alpes
Classification: Pathogenic for Azoospermia. Last evaluated: 2021-12-20. Review status: no assertion criteria provided. Collection method: case-control. Allele origin: biparental. Affected: yes. Observed: 2 variant alleles. Not counted in ClinVar's aggregate classification.

Dept of Molecular Biology and Genetics, Bogazici University
Classification: Pathogenic for Oligosynaptic infertility. Review status: no assertion criteria provided. Collection method: research. Allele origin: germline. Inheritance: Autosomal recessive inheritance. Affected: yes. Observed: 10 variant alleles, 4 heterozygotes, 6 homozygotes. Not counted in ClinVar's aggregate classification.

Literature cited by the submitters: PubMed 29581481 (cited by OMIM); PubMed 35172124 (cited by OMIM).

NM_005390.5(PDHA2):c.679A>G (p.Met227Val)

Gene: PDHA2 (pyruvate dehydrogenase E1 subunit alpha 2; plus strand). Cytogenetic location: 4q22.3.
Variant type: single nucleotide variant.
Coding change: c.679A>G on transcript NM_005390.5 (MANE Select); coding-DNA position 679, A replaced by G.
Protein change: p.Met227Val; replaces methionine 227 with valine.
Molecular consequence: missense variant.
Genome position (GRCh38, 1-based): chr4:95,840,829, A>G. VCF-style: chr4-95840829-A-G. GRCh37 (hg19) VCF-style: chr4-96761980-A-G.
Other names: rs200969445; PDHA2, MET227VAL (rs200969445); short protein forms M227V.
Identifiers: ClinVar variation 446251 (VCV000446251.10), dbSNP rs200969445, ClinGen allele CA3016298.
Genomic context (GRCh38, chr4:95,840,829, plus strand): 5'-AATATGGCAGCTTTATGGAAATTACCTTGTGTTTTCATCTGTGAGAATAACCTATATGGA[A>G]TGGGAACATCTACTGAGAGAGCAGCAGCCAGCCCTGATTACTACAAGAGGGGCAATTTTA-3'
Protein context (NP_005381.1, residues 217-237): VFICENNLYG[Met227Val]GTSTERAAAS